The following is an entry in ClinVar:

NM_001386795.1(DTNA):c.1253+18_1253+19delinsGT

Gene: DTNA (dystrobrevin alpha; plus strand). Cytogenetic location: 18q12.1.
Variant type: Indel.
Coding change: c.1253+18_1253+19delinsGT on transcript NM_001386795.1 (MANE Select); bases 18 to 19 of the intron after coding-DNA position 1253, TG replaced by GT.
Molecular consequence: intron variant.
Genome position (GRCh38, 1-based): chr18:34,838,189-34,838,190, TG replaced by GT. VCF-style: chr18-34838189-TG-GT. GRCh37 (hg19) VCF-style: chr18-32418153-TG-GT.
Other names: c.1086-10107_1086-10106delinsGT (NM_001198938.2, NM_001386772.1, NM_001386766.1 and 13 more transcripts); c.1175+8700_1175+8701delinsGT (NM_001386770.1, NM_001386758.1, NM_001386759.1 and 5 more transcripts); c.1253+18_1253+19delinsGT (NM_001386788.1); c.1163+18_1163+19delinsGT (NM_032978.7); c.1172+18_1172+19delinsGT (NM_001390.5, NM_001391.5); c.336-10107_336-10106delinsGT (NM_001198943.1); c.299+18_299+19delinsGT (NM_001198942.1); c.221+8700_221+8701delinsGT (NM_001198944.1); and 4 more.
Identifiers: ClinVar variation 2730495 (VCV002730495.3), dbSNP rs2519084978, ClinGen allele CA2697555487.

ClinVar aggregate classification (germline): Uncertain significance (1 of 4 stars; one submission).

Conditions:
Left ventricular noncompaction 1 (LVNC1). Also called: LEFT VENTRICULAR NONCOMPACTION 1 WITH OR WITHOUT CONGENITAL HEART DEFECTS. Identifiers: Orphanet 54260, MedGen C1858725, MONDO:0011403, OMIM 604169.

Submission:

Labcorp Genetics (formerly Invitae), Labcorp
Classification: Uncertain significance for Left ventricular noncompaction 1. Last evaluated: 2023-07-07. Review status: criteria provided, single submitter. Criteria: Invitae Variant Classification Sherloc (09022015). Collection method: clinical testing. Allele origin: germline.
Comment: Experimental studies and prediction algorithms are not available or were not evaluated, and the effect of this variant on mRNA splicing is currently unknown. This variant has not been reported in the literature in individuals affected with DTNA-related conditions. Information on the frequency of this variant in the gnomAD database is not available, as this variant may be reported differently in the database. This sequence change falls in intron 11 of the DTNA gene. It does not directly change the encoded amino acid sequence of the DTNA protein. In summary, the available evidence is currently insufficient to determine the role of this variant in disease. Therefore, it has been classified as a Variant of Uncertain Significance.